The following is an entry in ClinVar:

ClinVar aggregate classification (germline): Uncertain significance (1 of 4 stars; one submission).

Conditions:
Hereditary cancer-predisposing syndrome. Also called: Neoplastic Syndromes, Hereditary; Tumor predisposition; Hereditary Cancer Syndrome; Hereditary neoplastic syndrome. Identifiers: Orphanet 140162, MedGen C0027672, MeSH D009386, MONDO:0015356.

gnomAD v4.1: 2 of 1,614,116 alleles (0.00012%); highest among the groups gnomAD compares: Non-Finnish European, 0.00017%; no homozygotes.

Submission:

Ambry Genetics
Classification: Uncertain significance for Hereditary cancer-predisposing syndrome. Last evaluated: 2021-07-20. Review status: criteria provided, single submitter. Criteria: Ambry Variant Classification Scheme 2023. Collection method: clinical testing. Allele origin: germline.
Comment: The p.T619S variant (also known as c.1856C>G), located in coding exon 14 of the APC gene, results from a C to G substitution at nucleotide position 1856. The threonine at codon 619 is replaced by serine, an amino acid with similar properties. This amino acid position is highly conserved in available vertebrate species. In addition, in silico predictors for this gene do not accurately predict pathogenicity. Since supporting evidence is limited at this time, the clinical significance of this alteration remains unclear.

NM_000038.6(APC):c.1856C>G (p.Thr619Ser)

Gene: APC (APC regulator of Wnt signaling pathway; plus strand). Cytogenetic location: 5q22.2.
Variant type: single nucleotide variant.
Coding change: c.1856C>G on transcript NM_000038.6 (MANE Select); coding-DNA position 1856, C replaced by G.
Protein change: p.Thr619Ser; replaces threonine 619 with serine.
Molecular consequence: missense variant.
Genome position (GRCh38, 1-based): chr5:112,835,063, C>G. VCF-style: chr5-112835063-C-G. GRCh37 (hg19) VCF-style: chr5-112170760-C-G.
Other names: c.1856C>G, p.Thr619Ser (NM_001127510.3, NM_001354895.2, NM_001407450.1); c.1802C>G, p.Thr601Ser (NM_001127511.3); c.1910C>G, p.Thr637Ser (NM_001354896.2, NM_001407447.1, NM_001407448.1 and 1 more transcripts); c.1886C>G, p.Thr629Ser (NM_001354897.2); c.1781C>G, p.Thr594Ser (NM_001354898.2); c.1772C>G, p.Thr591Ser (NM_001354899.2); c.1733C>G, p.Thr578Ser (NM_001354900.2); c.1679C>G, p.Thr560Ser (NM_001354901.2, NM_001407453.1); and 11 more; short protein forms T235S, T459S, T594S, T609S, T629S, T490S, T493S, T518S.
Identifiers: ClinVar variation 1781408 (VCV001781408.2), dbSNP rs1197473008, ClinGen allele CA16025382.